The following is an entry in ClinVar:

NM_005228.5(EGFR):c.413G>A (p.Arg138Lys)

Gene: EGFR (epidermal growth factor receptor; plus strand). Cytogenetic location: 7p11.2.
Variant type: single nucleotide variant.
Coding change: c.413G>A on transcript NM_005228.5 (MANE Select); coding-DNA position 413, G replaced by A.
Protein change: p.Arg138Lys; replaces arginine 138 with lysine.
Molecular consequence: missense variant. On other transcripts: intron variant (1).
Genome position (GRCh38, 1-based): chr7:55,143,477, G>A. VCF-style: chr7-55143477-G-A. GRCh37 (hg19) VCF-style: chr7-55211170-G-A.
Other names: c.413G>A, p.Arg138Lys (NM_001346897.2, NM_001346898.2, NM_001346899.2 and 3 more transcripts); c.254G>A, p.Arg85Lys (NM_001346900.2); c.89-12353G>A (NM_001346941.2); short protein forms R138K, R85K.
Identifiers: ClinVar variation 962439 (VCV000962439.9), dbSNP rs1437762652, ClinGen allele CA367576004.

ClinVar aggregate classification (germline): Uncertain significance (1 of 4 stars; one submission).

Conditions:
EGFR-related lung cancer (EGFR). Identifiers: MedGen CN130014.

Allele frequency attached by ClinVar (database versions not stated): gnomAD exomes below 0.00001.
gnomAD v4.1: 15 of 1,614,188 alleles (0.00093%); highest among the groups gnomAD compares: Non-Finnish European, 0.0013%; no homozygotes.

Submission:

Labcorp Genetics (formerly Invitae), Labcorp
Classification: Uncertain significance for EGFR-related lung cancer. Last evaluated: 2024-03-07. Review status: criteria provided, single submitter. Criteria: Invitae Variant Classification Sherloc (09022015). Collection method: clinical testing. Allele origin: germline.
Comment: This sequence change replaces arginine, which is basic and polar, with lysine, which is basic and polar, at codon 138 of the EGFR protein (p.Arg138Lys). This variant is present in population databases (no rsID available, gnomAD 0.0009%). This variant has not been reported in the literature in individuals affected with EGFR-related conditions. ClinVar contains an entry for this variant (Variation ID: 962439). An algorithm developed to predict the effect of missense changes on protein structure and function (PolyPhen-2) suggests that this variant is likely to be tolerated. In summary, the available evidence is currently insufficient to determine the role of this variant in disease. Therefore, it has been classified as a Variant of Uncertain Significance.